The following is an entry in ClinVar:

NM_003073.5(SMARCB1):c.987-5C>T

Gene: SMARCB1 (SWI/SNF related BAF chromatin remodeling complex subunit B1; plus strand). Cytogenetic location: 22q11.23.
Variant type: single nucleotide variant.
Coding change: c.987-5C>T on transcript NM_003073.5 (MANE Select); 5 bases into the intron before coding-DNA position 987, C replaced by T.
Molecular consequence: intron variant.
Genome position (GRCh38, 1-based): chr22:23,833,567, C>T. VCF-style: chr22-23833567-C-T. GRCh37 (hg19) VCF-style: chr22-24175754-C-T.
Other names: c.987-5C>T (LRG_520t1, NM_003073.4); c.1041-5C>T (NM_001362877.2); c.1014-5C>T (NM_001317946.2); c.960-5C>T (NM_001007468.3).
Identifiers: ClinVar variation 416323 (VCV000416323.43), dbSNP rs781136700, ClinGen allele CA10146094.
Genomic context (GRCh38, chr22:23,833,567, plus strand): 5'-CTTTCTGAGGATTCTCCATCTATAGCTGGAAAAGTCATTCCTCTCACTGCCTCCCCTCCT[C>T]GTAGCGAGAACCCTCTGCCCACAGTGGAGATTGCCATCCGGAACACGGGCGATGCGGACC-3'

ClinVar aggregate classification (germline): Benign/Likely benign. Review status: criteria provided, multiple submitters, no conflicts (2 of 4 stars). 7 submissions from 7 submitters: Benign (3); Likely benign (3). 1 of the submissions does not count toward it. Last evaluated 2026-09-01.

Conditions:
Hereditary cancer-predisposing syndrome. Also called: Hereditary neoplastic syndrome; Neoplastic Syndromes, Hereditary; Hereditary Cancer Syndrome; Tumor predisposition. Identifiers: Orphanet 140162, MedGen C0027672, MeSH D009386, MONDO:0015356.
SMARCB1-related disorder. Also called: SMARCB1-related disorders; SMARCB1-related condition.

Allele frequency attached by ClinVar (database versions not stated): ExAC 0.00005; gnomAD exomes 0.00005 and 0.00022; gnomAD 0.00006; TOPMed 0.00016.
gnomAD v4.1: 85 of 1,614,244 alleles (0.0053%); highest among the groups gnomAD compares: Admixed American, 0.11%; no homozygotes.

Submissions (7):

CeGaT Center for Human Genetics Tuebingen
Classification: Likely benign. Last evaluated: 2026-09-01. Review status: criteria provided, single submitter. Criteria: CeGaT Center For Human Genetics Tuebingen Variant Classification Criteria Version 2. Collection method: clinical testing. Allele origin: germline. Affected: yes. Observed: 4 variant alleles.
Comment: SMARCB1: BP4, BS1

Labcorp Genetics (formerly Invitae), Labcorp
Classification: Benign. Last evaluated: 2026-01-30. Review status: criteria provided, single submitter. Criteria: Invitae Variant Classification Sherloc (09022015). Collection method: clinical testing. Allele origin: germline.

Women's Health and Genetics/Laboratory Corporation of America, LabCorp
Classification: Benign. Last evaluated: 2024-04-30. Review status: criteria provided, single submitter. Criteria: LabCorp Variant Classification Summary - May 2015. Collection method: clinical testing. Allele origin: germline.

Ambry Genetics
Classification: Likely benign for Hereditary cancer-predisposing syndrome. Last evaluated: 2022-08-17. Review status: criteria provided, single submitter. Criteria: Ambry Variant Classification Scheme 2023. Collection method: clinical testing. Allele origin: germline.

Blueprint Genetics
Classification: Likely benign. Last evaluated: 2022-07-25. Review status: criteria provided, single submitter. Criteria: ACMG Guidelines, 2015. Collection method: clinical testing. Allele origin: germline.

Sema4
Classification: Benign for Hereditary cancer-predisposing syndrome. Last evaluated: 2021-12-16. Review status: criteria provided, single submitter. Criteria: Sema4 Curation Guidelines. Collection method: curation. Allele origin: germline.

PreventionGenetics, part of Exact Sciences
Classification: Likely benign for SMARCB1-related condition. Last evaluated: 2023-07-07. Review status: no assertion criteria provided. Collection method: clinical testing. Allele origin: germline. Not counted in ClinVar's aggregate classification.
Comment: This variant is classified as likely benign based on ACMG/AMP sequence variant interpretation guidelines (Richards et al. 2015 PMID: 25741868, with internal and published modifications).